The following is an entry in ClinVar:

NM_001204.7(BMPR2):c.860T>G (p.Leu287Ter)

Gene: BMPR2 (bone morphogenetic protein receptor type 2; plus strand). Cytogenetic location: 2q33.2.
Variant type: single nucleotide variant.
Coding change: c.860T>G on transcript NM_001204.7 (MANE Select); coding-DNA position 860, T replaced by G.
Protein change: p.Leu287Ter; replaces leucine 287 with a stop codon.
Molecular consequence: nonsense.
Genome position (GRCh38, 1-based): chr2:202,520,094, T>G. VCF-style: chr2-202520094-T-G. GRCh37 (hg19) VCF-style: chr2-203384817-T-G.
Other names: short protein forms L287*.
Identifiers: ClinVar variation 2706661 (VCV002706661.3), dbSNP rs576091247, ClinGen allele CA350340689.

ClinVar aggregate classification (germline): Pathogenic (1 of 4 stars; one submission).

Conditions:
Primary pulmonary hypertension. Also called: Idiopathic pulmonary hypertension. Identifiers: MedGen C0152171.

Submission:

Labcorp Genetics (formerly Invitae), Labcorp
Classification: Pathogenic for Primary pulmonary hypertension. Last evaluated: 2023-12-30. Review status: criteria provided, single submitter. Criteria: Invitae Variant Classification Sherloc (09022015). Collection method: clinical testing. Allele origin: germline.
Comment: This sequence change creates a premature translational stop signal (p.Leu287*) in the BMPR2 gene. It is expected to result in an absent or disrupted protein product. Loss-of-function variants in BMPR2 are known to be pathogenic (PMID: 16429395). This variant is not present in population databases (gnomAD no frequency). This premature translational stop signal has been observed in individual(s) with pulmonary arterial hypertension (PMID: 16429395). For these reasons, this variant has been classified as Pathogenic.

Literature cited by the submitters: PubMed 16429395.